The following is an entry in ClinVar:

NM_001256545.2(MEGF10):c.1626C>T (p.Cys542=)

Gene: MEGF10 (multiple EGF like domains 10; plus strand). Cytogenetic location: 5q23.2.
Variant type: single nucleotide variant.
Coding change: c.1626C>T on transcript NM_001256545.2 (MANE Select); coding-DNA position 1626, C replaced by T.
Protein change: p.Cys542=; no amino-acid change (cysteine 542 retained).
Molecular consequence: synonymous variant.
Genome position (GRCh38, 1-based): chr5:127,422,705, C>T. VCF-style: chr5-127422705-C-T. GRCh37 (hg19) VCF-style: chr5-126758397-C-T.
Other names: c.1626C>T, p.Cys542= (NM_001308119.2, NM_001308121.2, NM_032446.3).
Identifiers: ClinVar variation 262063 (VCV000262063.61), dbSNP rs146902993, ClinGen allele CA3391653.

ClinVar aggregate classification (germline): Conflicting classifications of pathogenicity. Review status: criteria provided, conflicting classifications (1 of 4 stars). 6 submissions from 6 submitters: Uncertain significance (1); Likely benign (5). Last evaluated 2026-07-01.

Conditions:
MEGF10-related myopathy (CMYO10A). Also called: Congenital myopathy 10A, severe variant. Identifiers: Orphanet 439212, MedGen C3280679, MONDO:0013731, OMIM 614399.

Allele frequency attached by ClinVar (database versions not stated): 1000 Genomes Project 30x 0.00031; 1000 Genomes Project 0.00040; gnomAD exomes 0.00098; ExAC 0.00102; gnomAD 0.00127 and 0.00129; TOPMed 0.00127; ESP Exome Variant Server 0.00215.
gnomAD v4.1: 3,516 of 1,613,946 alleles (0.22%); highest among the groups gnomAD compares: Non-Finnish European, 0.28%; 7 homozygotes.

Submissions (6):

CeGaT Center for Human Genetics Tuebingen
Classification: Likely benign. Last evaluated: 2026-07-01. Review status: criteria provided, single submitter. Criteria: CeGaT Center For Human Genetics Tuebingen Variant Classification Criteria Version 2. Collection method: clinical testing. Allele origin: germline. Affected: yes. Observed: 9 variant alleles.
Comment: MEGF10: BP4, BP7

Labcorp Genetics (formerly Invitae), Labcorp
Classification: Likely benign for MEGF10-related myopathy. Last evaluated: 2026-01-15. Review status: criteria provided, single submitter. Criteria: Invitae Variant Classification Sherloc (09022015). Collection method: clinical testing. Allele origin: germline.

Blueprint Genetics
Classification: Likely benign. Last evaluated: 2024-11-04. Review status: criteria provided, single submitter. Criteria: ACMG Guidelines, 2015. Collection method: clinical testing. Allele origin: germline.

Illumina Laboratory Services, Illumina
Classification: Uncertain significance for MEGF10-related myopathy. Last evaluated: 2018-01-13. Review status: criteria provided, single submitter. Criteria: ICSL Variant Classification Criteria 13 December 2019. Collection method: clinical testing. Allele origin: germline.

GeneDx
Classification: Likely benign. Last evaluated: 2017-12-11. Review status: criteria provided, single submitter. Criteria: GeneDx Variant Classification (06012015). Collection method: clinical testing. Allele origin: germline. Affected: yes.
Comment: This variant is considered likely benign or benign based on one or more of the following criteria: it is a conservative change, it occurs at a poorly conserved position in the protein, it is predicted to be benign by multiple in silico algorithms, and/or has population frequency not consistent with disease.

PreventionGenetics, part of Exact Sciences
Classification: Likely benign. Review status: criteria provided, single submitter. Criteria: ACMG Guidelines, 2015. Collection method: clinical testing. Allele origin: germline.